The following is an entry in ClinVar:

ClinVar aggregate classification (germline): Conflicting classifications of pathogenicity. Review status: criteria provided, conflicting classifications (1 of 4 stars). 4 submissions from 4 submitters: Uncertain significance (1); Likely benign (3). Last evaluated 2025-03-30.

Conditions:
Breast-ovarian cancer, familial, susceptibility to, 4. Identifiers: Orphanet 145, MedGen C3280345, MONDO:0013669, OMIM 614291.
Hereditary cancer-predisposing syndrome. Also called: Neoplastic Syndromes, Hereditary; Hereditary Cancer Syndrome; Hereditary neoplastic syndrome; Tumor predisposition. Identifiers: Orphanet 140162, MedGen C0027672, MeSH D009386, MONDO:0015356.

Allele frequency attached by ClinVar (database versions not stated): gnomAD exomes below 0.00001; ExAC 0.00001.

Submissions (4):

Labcorp Genetics (formerly Invitae), Labcorp
Classification: Uncertain significance for Breast-ovarian cancer, familial, susceptibility to, 4. Last evaluated: 2025-03-30. Review status: criteria provided, single submitter. Criteria: Invitae Variant Classification Sherloc (09022015). Collection method: clinical testing. Allele origin: germline.
Comment: This sequence change falls in intron 7 of the RAD51D gene. It does not directly change the encoded amino acid sequence of the RAD51D protein. It affects a nucleotide within the consensus splice site. This variant is present in population databases (rs773138393, gnomAD 0.0009%). This variant has not been reported in the literature in individuals affected with RAD51D-related conditions. ClinVar contains an entry for this variant (Variation ID: 1060905). Variants that disrupt the consensus splice site are a relatively common cause of aberrant splicing (PMID: 17576681, 9536098). Algorithms developed to predict the effect of sequence changes on RNA splicing suggest that this variant is not likely to affect RNA splicing. In summary, the available evidence is currently insufficient to determine the role of this variant in disease. Therefore, it has been classified as a Variant of Uncertain Significance.

Myriad Genetics, Inc.
Classification: Likely benign for Breast-ovarian cancer, familial, susceptibility to, 4. Last evaluated: 2025-02-24. Review status: criteria provided, single submitter. Criteria: Myriad Autosomal Dominant, Autosomal Recessive and X-Linked Classification Criteria (2023). Collection method: clinical testing. Allele origin: unknown.
Comment: This variant is considered likely benign. This variant is intronic and is not expected to impact mRNA splicing.

Ambry Genetics
Classification: Likely benign for Hereditary cancer-predisposing syndrome. Last evaluated: 2019-12-04. Review status: criteria provided, single submitter. Criteria: Ambry Variant Classification Scheme 2023. Collection method: clinical testing. Allele origin: germline.

GeneDx
Classification: Likely benign. Last evaluated: 2018-08-17. Review status: criteria provided, single submitter. Criteria: GeneDx Variant Classification Process June 2021. Collection method: clinical testing. Allele origin: germline. Affected: yes.

Literature cited by the submitters: PubMed 17576681 (cited by Labcorp Genetics (formerly Invitae), Labcorp); PubMed 9536098 (cited by Labcorp Genetics (formerly Invitae), Labcorp); PubMed 26976419 (cited by Ambry Genetics).

NM_002878.4(RAD51D):c.667+3G>A

Genes: RAD51D (RAD51 paralog D; minus strand), RAD51L3-RFFL (RAD51L3-RFFL readthrough; minus strand). Cytogenetic location: 17q12.
Variant type: single nucleotide variant.
Coding change: c.667+3G>A on transcript NM_002878.4 (MANE Select); 3 bases into the intron after coding-DNA position 667, G replaced by A.
Molecular consequence: intron variant.
Genome position (GRCh38, 1-based): chr17:35,103,451, C>T on the plus strand (G>A on the coding strand, the complement: RAD51D is on the minus strand). VCF-style: chr17-35103451-C-T. GRCh37 (hg19) VCF-style: chr17-33430470-C-T.
Other names: c.331+3G>A (NM_133629.3); c.727+3G>A (NM_001142571.2).
Identifiers: ClinVar variation 1060905 (VCV001060905.11), dbSNP rs773138393, ClinGen allele CA8499396.
Genomic context (GRCh38, chr17:35,103,451, plus strand): 5'-AGACTCCAGAGCTGGGAGGCGAGGTCACATTCCACTGGCCCCAGGCTCTGCCACATCACT[C>T]ACCTTCCCTCTGCTGACCTCCCAGAAGTGGGGAAACCACCGCAGTGACCGAGTCCACAAC-3'